The following is an entry in ClinVar:

NM_206933.4(USH2A):c.907C>A (p.Arg303Ser)

Gene: USH2A (usherin; minus strand). Cytogenetic location: 1q41.
Variant type: single nucleotide variant.
Coding change: c.907C>A on transcript NM_206933.4 (MANE Select); coding-DNA position 907, C replaced by A.
Protein change: p.Arg303Ser; replaces arginine 303 with serine.
Molecular consequence: missense variant.
Genome position (GRCh38, 1-based): chr1:216,325,541, G>T on the plus strand (C>A on the coding strand, the complement: USH2A is on the minus strand). VCF-style: chr1-216325541-G-T. GRCh37 (hg19) VCF-style: chr1-216498883-G-T.
Other names: NP_996816.3:p.(Arg303Ser); c.907C>A, p.Arg303Ser (NM_007123.6); short protein forms R303S.
Identifiers: ClinVar variation 1441479 (VCV001441479.11), dbSNP rs748465849, ClinGen allele CA1396647.

ClinVar aggregate classification (germline): Pathogenic/Likely pathogenic. Review status: criteria provided, multiple submitters, no conflicts (2 of 4 stars). 6 submissions from 6 submitters: Pathogenic (4); Likely pathogenic (2). Last evaluated 2024-12-16.

Conditions:
USH2A-related disorder. Also called: USH2A-related disorders; USH2A-related condition. Identifiers: MedGen CN239332.
Retinitis pigmentosa 39 (RP39). Identifiers: Orphanet 791, MedGen C3151138, MONDO:0013436, OMIM 613809.
Usher syndrome type 2A. Also called: RETINAL DISEASE IN USHER SYNDROME TYPE IIA, MODIFIER OF; USHER SYNDROME, TYPE IIA. Identifiers: Orphanet 231178, Orphanet 886, MedGen C1848634, MONDO:0010169, OMIM 276901.
Usher syndrome. Also called: Usher Syndromes; Usher's syndrome. Identifiers: Orphanet 886, MedGen CN469326, MeSH D052245, MONDO:0019501. Disease mechanism: loss of function.

Allele frequency attached by ClinVar (database versions not stated): ExAC 0.00001; gnomAD exomes 0.00001.
gnomAD v4.1: 5 of 1,613,536 alleles (0.00031%); highest among the groups gnomAD compares: Admixed American, 0.0033%; no homozygotes.

Submissions (6):

Women's Health and Genetics/Laboratory Corporation of America, LabCorp
Classification: Pathogenic for Usher syndrome. Last evaluated: 2024-12-16. Review status: criteria provided, single submitter. Criteria: LabCorp Variant Classification Summary - May 2015. Collection method: clinical testing. Allele origin: germline.
Comment: Variant summary: USH2A c.907C>A (p.Arg303Ser) results in a non-conservative amino acid change located in the Laminin-type epidermal growth factor-like domain (IPR002049) of the encoded protein sequence. Four of five in-silico tools predict a damaging effect of the variant on protein function. The variant allele was found at a frequency of 8e-06 in 250362 control chromosomes. c.907C>A has been reported in the literature in compound heterozygous individuals affected with Usher Syndrome or autosomal recessive retinitis pigmentosa (e.g. Aller_2004, Gonzalez-DelPozo_2018, Zenteno_2019). These data indicate that the variant is likely to be associated with disease. A different variant affecting the same codon has been classified as pathogenic by our lab (c.908G>A, p.Arg303His), supporting the critical relevance of codon 303 to USH2A protein function. To our knowledge, no experimental evidence demonstrating an impact on protein function has been reported. The following publications have been ascertained in the context of this evaluation (PMID: 14970843, 30190494, 31736247). ClinVar contains an entry for this variant (Variation ID: 1441479). Based on the evidence outlined above, the variant was classified as pathogenic.

Genome-Nilou Lab
Classification: Likely pathogenic for Usher syndrome type 2A. Last evaluated: 2023-11-04. Review status: criteria provided, single submitter. Criteria: ACMG Guidelines, 2015. Collection method: clinical testing. Allele origin: germline. Affected: no.

Baylor Genetics
Classification: Pathogenic for Retinitis pigmentosa 39. Last evaluated: 2023-08-21. Review status: criteria provided, single submitter. Criteria: ACMG Guidelines, 2015. Collection method: clinical testing. Allele origin: unknown.

Ophthalmic Genetics Group, Institute of Molecular and Clinical Ophthalmology Basel
Classification: Likely pathogenic for Usher syndrome. Last evaluated: 2023-07-24. Review status: criteria provided, single submitter. Criteria: ACMG Guidelines, 2015. Collection method: research. Allele origin: germline. Affected: yes. Observed: 1 variant allele.
Comment: Clinical significance based on ACMG v2.0

This variant was classified as Likely pathogenic based on ACMG criteria: PM2, PM5, PM1, PP5.

Labcorp Genetics (formerly Invitae), Labcorp
Classification: Pathogenic. Last evaluated: 2022-06-18. Review status: criteria provided, single submitter. Criteria: Invitae Variant Classification Sherloc (09022015). Collection method: clinical testing. Allele origin: germline.
Comment: This variant is present in population databases (rs748465849, gnomAD 0.003%). For these reasons, this variant has been classified as Pathogenic. This variant disrupts the p.Arg303 amino acid residue in USH2A. Other variant(s) that disrupt this residue have been determined to be pathogenic (PMID: 19881469, 25342620, 28157192). This suggests that this residue is clinically significant, and that variants that disrupt this residue are likely to be disease-causing. Algorithms developed to predict the effect of sequence changes on RNA splicing suggest that this variant may create or strengthen a splice site. Algorithms developed to predict the effect of missense changes on protein structure and function are either unavailable or do not agree on the potential impact of this missense change (SIFT: "Deleterious"; PolyPhen-2: "Probably Damaging"; Align-GVGD: "Class C0"). This missense change has been observed in individuals with retinitis pigmentosa and/or Usher syndrome (PMID: 14970843, 30190494). This sequence change replaces arginine, which is basic and polar, with serine, which is neutral and polar, at codon 303 of the USH2A protein (p.Arg303Ser).

Blueprint Genetics
Classification: Pathogenic for USH2A-related disorders. Last evaluated: 2021-06-14. Review status: criteria provided, single submitter. Criteria: ACMG Guidelines, 2015. Collection method: clinical testing. Allele origin: germline. Affected: yes. Observed: 1 variant allele.

Literature cited by the submitters: PubMed 14970843 (cited by Women's Health and Genetics/Laboratory Corporation of America, LabCorp and Labcorp Genetics (formerly Invitae), Labcorp); PubMed 31736247 (cited by Women's Health and Genetics/Laboratory Corporation of America, LabCorp); PubMed 30190494 (cited by Women's Health and Genetics/Laboratory Corporation of America, LabCorp and Labcorp Genetics (formerly Invitae), Labcorp); PubMed 36909829 (cited by Ophthalmic Genetics Group, Institute of Molecular and Clinical Ophthalmology Basel); PubMed 19881469 (cited by Labcorp Genetics (formerly Invitae), Labcorp); PubMed 25342620 (cited by Labcorp Genetics (formerly Invitae), Labcorp); PubMed 28157192 (cited by Labcorp Genetics (formerly Invitae), Labcorp).